The following is an entry in ClinVar:

NM_177438.3(DICER1):c.4657dup (p.Cys1553fs)

Gene: DICER1 (dicer 1, ribonuclease III; minus strand). Cytogenetic location: 14q32.13.
Variant type: Duplication.
Coding change: c.4657dup on transcript NM_177438.3 (MANE Select); coding-DNA position 4657, one base duplicated (T; older notation c.4657dupT).
Protein change: p.Cys1553fs; shifts the reading frame from cysteine 1553.
Molecular consequence: frameshift variant.
Genome position (GRCh38, 1-based): chr14:95,096,263, A duplicated on the plus strand (T on the coding strand, the reverse complement: DICER1 is on the minus strand). VCF-style (leftmost placement, unchanged base first): chr14-95096262-C-CA. GRCh37 (hg19) VCF-style: chr14-95562599-C-CA.
Other names: c.4657dup, p.Cys1553fs (NM_001195573.1, NM_001271282.3, NM_001291628.2 and 1 more transcripts); c.4657dupT (NM_177438.2); short protein forms C1553fs.
Identifiers: ClinVar variation 429161 (VCV000429161.5), dbSNP rs1131691229, ClinGen allele CA645369610.

ClinVar aggregate classification (germline): Pathogenic (1 of 4 stars; one submission).

Conditions:
Hereditary cancer-predisposing syndrome. Also called: Hereditary Cancer Syndrome; Neoplastic Syndromes, Hereditary; Hereditary neoplastic syndrome; Tumor predisposition. Identifiers: Orphanet 140162, MedGen C0027672, MeSH D009386, MONDO:0015356.

Submission:

Ambry Genetics
Classification: Pathogenic for Hereditary cancer-predisposing syndrome. Last evaluated: 2015-04-15. Review status: criteria provided, single submitter. Criteria: Ambry Variant Classification Scheme 2023. Collection method: clinical testing. Allele origin: germline.
Comment: The c.4657dupT pathogenic mutation, located in coding exon 22 of the DICER1 gene, results from a duplication of T at nucleotide position 4657, causing a translational frameshift with a predicted alternate stop codon. Since frameshifts are typically deleterious in nature, this alteration is interpreted as a disease-causing mutation (ACMG Recommendations for Standards for Interpretation and Reporting of Sequence Variations. Revision 2007. Genet Med. 2008;10:294).